The following is an entry in ClinVar:

NM_001142800.2(EYS):c.1247G>A (p.Ser416Asn)

Gene: EYS (EGF-like photoreceptor maintenance factor; minus strand). Cytogenetic location: 6q12.
Variant type: single nucleotide variant.
Coding change: c.1247G>A on transcript NM_001142800.2 (MANE Select); coding-DNA position 1247, G replaced by A.
Protein change: p.Ser416Asn; replaces serine 416 with asparagine.
Molecular consequence: missense variant.
Genome position (GRCh38, 1-based): chr6:65,384,438, C>T on the plus strand (G>A on the coding strand, the complement: EYS is on the minus strand). VCF-style: chr6-65384438-C-T. GRCh37 (hg19) VCF-style: chr6-66094331-C-T.
Other names: c.1247G>A, p.Ser416Asn (NM_001142801.2, NM_001292009.2, NM_198283.2); short protein forms S416N.
Identifiers: ClinVar variation 1429597 (VCV001429597.7), dbSNP rs761318837, ClinGen allele CA3877811.

ClinVar aggregate classification (germline): Uncertain significance. Review status: criteria provided, multiple submitters, no conflicts (2 of 4 stars). 3 submissions from 3 submitters: Uncertain significance (3). Last evaluated 2022-07-04.

Conditions:
Retinitis pigmentosa 25 (RP25). Identifiers: Orphanet 791, MedGen C1864446, MONDO:0011272, OMIM 602772.

Allele frequency attached by ClinVar (database versions not stated): gnomAD exomes 0.00001 and 0.00002; ExAC 0.00002.
gnomAD v4.1: 24 of 1,609,774 alleles (0.0015%); highest among the groups gnomAD compares: Non-Finnish European, 0.002%; no homozygotes.

Submissions (3):

Blueprint Genetics
Classification: Uncertain significance. Last evaluated: 2022-07-04. Review status: criteria provided, single submitter. Criteria: ACMG Guidelines, 2015. Collection method: clinical testing. Allele origin: germline.

Labcorp Genetics (formerly Invitae), Labcorp
Classification: Uncertain significance. Last evaluated: 2022-03-20. Review status: criteria provided, single submitter. Criteria: Invitae Variant Classification Sherloc (09022015). Collection method: clinical testing. Allele origin: germline.
Comment: This sequence change replaces serine, which is neutral and polar, with asparagine, which is neutral and polar, at codon 416 of the EYS protein (p.Ser416Asn). This variant is present in population databases (rs761318837, gnomAD 0.002%). This variant has not been reported in the literature in individuals affected with EYS-related conditions. Algorithms developed to predict the effect of missense changes on protein structure and function (SIFT, PolyPhen-2, Align-GVGD) all suggest that this variant is likely to be tolerated. In summary, the available evidence is currently insufficient to determine the role of this variant in disease. Therefore, it has been classified as a Variant of Uncertain Significance.

Fulgent Genetics
Classification: Uncertain significance for Retinitis pigmentosa 25. Last evaluated: 2021-09-30. Review status: criteria provided, single submitter. Criteria: ACMG Guidelines, 2015. Collection method: clinical testing. Allele origin: unknown.